The following is an entry in ClinVar:

NM_005612.5(REST):c.1410A>G (p.Lys470=)

Gene: REST (RE1 silencing transcription factor; plus strand). Cytogenetic location: 4q12.
Variant type: single nucleotide variant.
Coding change: c.1410A>G on transcript NM_005612.5 (MANE Select); coding-DNA position 1410, A replaced by G.
Protein change: p.Lys470=; no amino-acid change (lysine 470 retained).
Molecular consequence: synonymous variant.
Genome position (GRCh38, 1-based): chr4:56,930,268, A>G. VCF-style: chr4-56930268-A-G. GRCh37 (hg19) VCF-style: chr4-57796434-A-G.
Other names: c.1410A>G, p.Lys470= (NM_001193508.2, NM_001363453.3); c.1326A>G, p.Lys442= (NM_001440532.1, NM_001440533.1).
Identifiers: ClinVar variation 4280969 (VCV004280969.7).

ClinVar aggregate classification (germline): Likely benign (1 of 4 stars; one submission).

gnomAD v4.1: 6 of 1,612,692 alleles (0.00037%); highest among the groups gnomAD compares: South Asian, 0.0066%; no homozygotes.

Submission:

CeGaT Center for Human Genetics Tuebingen
Classification: Likely benign. Last evaluated: 2025-09-01. Review status: criteria provided, single submitter. Criteria: CeGaT Center For Human Genetics Tuebingen Variant Classification Criteria Version 2. Collection method: clinical testing. Allele origin: germline. Affected: yes. Observed: 1 variant allele.
Comment: REST: BP4, BP7